The following is an entry in ClinVar:

ClinVar aggregate classification (germline): Uncertain significance (1 of 4 stars; one submission).

Conditions:
Hereditary spastic paraplegia 61. Also called: Spastic paraplegia 61, autosomal recessive. Identifiers: Orphanet 401780, MedGen C3810294, MONDO:0014304, OMIM 615685.

Allele frequency attached by ClinVar (database versions not stated): ExAC 0.00001; gnomAD 0.00001; gnomAD exomes 0.00001 and 0.00004; TOPMed 0.00003.
gnomAD v4.1: 64 of 1,613,114 alleles (0.004%); highest among the groups gnomAD compares: Non-Finnish European, 0.0047%; no homozygotes.

Submission:

Labcorp Genetics (formerly Invitae), Labcorp
Classification: Uncertain significance for Hereditary spastic paraplegia 61. Last evaluated: 2022-05-10. Review status: criteria provided, single submitter. Criteria: Invitae Variant Classification Sherloc (09022015). Collection method: clinical testing. Allele origin: germline.
Comment: This variant has not been reported in the literature in individuals affected with ARL6IP1-related conditions. This variant is present in population databases (rs770346896, gnomAD 0.002%). This sequence change replaces glycine, which is neutral and non-polar, with serine, which is neutral and polar, at codon 69 of the ARL6IP1 protein (p.Gly69Ser). ClinVar contains an entry for this variant (Variation ID: 941897). Algorithms developed to predict the effect of missense changes on protein structure and function are either unavailable or do not agree on the potential impact of this missense change (SIFT: "Tolerated"; PolyPhen-2: "Not Available"; Align-GVGD: "Class C0"). In summary, the available evidence is currently insufficient to determine the role of this variant in disease. Therefore, it has been classified as a Variant of Uncertain Significance.

NM_015161.3(ARL6IP1):c.205G>A (p.Gly69Ser)

Gene: ARL6IP1 (ARL6 interacting reticulophagy regulator 1; minus strand). Cytogenetic location: 16p12.3.
Variant type: single nucleotide variant.
Coding change: c.205G>A on transcript NM_015161.3 (MANE Select); coding-DNA position 205, G replaced by A.
Protein change: p.Gly69Ser; replaces glycine 69 with serine.
Molecular consequence: missense variant.
Genome position (GRCh38, 1-based): chr16:18,798,010, C>T on the plus strand (G>A on the coding strand, the complement: ARL6IP1 is on the minus strand). VCF-style: chr16-18798010-C-T. GRCh37 (hg19) VCF-style: chr16-18809332-C-T.
Other names: c.118G>A, p.Gly40Ser (NM_001313858.1); short protein forms G40S, G69S.
Identifiers: ClinVar variation 941897 (VCV000941897.9), dbSNP rs770346896, ClinGen allele CA7929518.